The following is an entry in ClinVar:

ClinVar aggregate classification (germline): Uncertain significance. Review status: criteria provided, multiple submitters, no conflicts (2 of 4 stars). 2 submissions from 2 submitters: Uncertain significance (2). Last evaluated 2025-01-15.

Conditions:
Spastic ataxia. Identifiers: Orphanet 316226, MedGen C1849156, MONDO:0017845, HP:0002497.
Chédiak-Higashi syndrome (CHS). Also called: Chediak-Higashi Syndrome. Identifiers: Orphanet 167, MedGen C0007965, MONDO:0008963, OMIM 214500.

gnomAD v4.1: 3 of 1,610,626 alleles (0.00019%); highest among the groups gnomAD compares: Non-Finnish European, 0.00025%; no homozygotes.

Submissions (2):

Labcorp Genetics (formerly Invitae), Labcorp
Classification: Uncertain significance for Chédiak-Higashi syndrome. Last evaluated: 2025-01-15. Review status: criteria provided, single submitter. Criteria: Invitae Variant Classification Sherloc (09022015). Collection method: clinical testing. Allele origin: germline.
Comment: This sequence change replaces valine, which is neutral and non-polar, with leucine, which is neutral and non-polar, at codon 1864 of the LYST protein (p.Val1864Leu). This variant is present in population databases (rs139694536, gnomAD 0.002%). This variant has not been reported in the literature in individuals affected with LYST-related conditions. ClinVar contains an entry for this variant (Variation ID: 643012). Invitae Evidence Modeling of protein sequence and biophysical properties (such as structural, functional, and spatial information, amino acid conservation, physicochemical variation, residue mobility, and thermodynamic stability) indicates that this missense variant is not expected to disrupt LYST protein function with a negative predictive value of 80%. In summary, the available evidence is currently insufficient to determine the role of this variant in disease. Therefore, it has been classified as a Variant of Uncertain Significance.

Molecular Medicine for Neurodegenerative and Neuromuscular Diseases Unit, IRCCS Fondazione Stella Maris
Classification: Uncertain significance for Spastic ataxia. Last evaluated: 2021-01-04. Review status: criteria provided, single submitter. Criteria: ACMG Guidelines, 2015. Collection method: research. Allele origin: unknown. Affected: yes.

NM_000081.4(LYST):c.5590G>T (p.Val1864Leu)

Gene: LYST (lysosomal trafficking regulator; minus strand). Cytogenetic location: 1q42.3.
Variant type: single nucleotide variant.
Coding change: c.5590G>T on transcript NM_000081.4 (MANE Select); coding-DNA position 5590, G replaced by T.
Protein change: p.Val1864Leu; replaces valine 1864 with leucine.
Molecular consequence: missense variant.
Genome position (GRCh38, 1-based): chr1:235,774,957, C>A on the plus strand (G>T on the coding strand, the complement: LYST is on the minus strand). VCF-style: chr1-235774957-C-A. GRCh37 (hg19) VCF-style: chr1-235938257-C-A.
Other names: c.5590G>T, p.Val1864Leu (NM_001301365.1); short protein forms V1864L.
Identifiers: ClinVar variation 643012 (VCV000643012.10), dbSNP rs139694536, ClinGen allele CA1466594.